The following is an entry in ClinVar:

ClinVar aggregate classification (germline): Uncertain significance (1 of 4 stars; one submission).

Conditions:
Joubert syndrome 16 (JBTS16). Identifiers: Orphanet 2318, MedGen C3280906, MONDO:0013764, OMIM 614465.

Submission:

Labcorp Genetics (formerly Invitae), Labcorp
Classification: Uncertain significance for Joubert syndrome 16. Last evaluated: 2023-07-17. Review status: criteria provided, single submitter. Criteria: Invitae Variant Classification Sherloc (09022015). Collection method: clinical testing. Allele origin: germline.
Comment: In summary, the available evidence is currently insufficient to determine the role of this variant in disease. Therefore, it has been classified as a Variant of Uncertain Significance. Algorithms developed to predict the effect of sequence changes on RNA splicing suggest that this variant may create or strengthen a splice site. An algorithm developed to predict the effect of missense changes on protein structure and function (PolyPhen-2) suggests that this variant is likely to be tolerated. ClinVar contains an entry for this variant (Variation ID: 2125017). This variant has not been reported in the literature in individuals affected with TMEM138-related conditions. This variant is not present in population databases (gnomAD no frequency). This sequence change replaces phenylalanine, which is neutral and non-polar, with tyrosine, which is neutral and polar, at codon 120 of the TMEM138 protein (p.Phe120Tyr).

NM_016464.5(TMEM138):c.359T>A (p.Phe120Tyr)

Gene: TMEM138 (transmembrane protein 138; plus strand). Cytogenetic location: 11q12.2.
Variant type: single nucleotide variant.
Coding change: c.359T>A on transcript NM_016464.5 (MANE Select); coding-DNA position 359, T replaced by A.
Protein change: p.Phe120Tyr; replaces phenylalanine 120 with tyrosine.
Molecular consequence: missense variant. On other transcripts: non-coding transcript variant (1).
Genome position (GRCh38, 1-based): chr11:61,367,981, T>A. VCF-style: chr11-61367981-T-A. GRCh37 (hg19) VCF-style: chr11-61135453-T-A.
Other names: c.185T>A, p.Phe62Tyr (NM_001330281.2); c.359T>A, p.Phe120Tyr (NM_001410997.1, NM_001410998.1, NM_001410999.1); short protein forms F62Y, F120Y.
Identifiers: ClinVar variation 2125017 (VCV002125017.4), dbSNP rs2539870202, ClinGen allele CA380680229.